The following is an entry in ClinVar:

ClinVar aggregate classification (germline): Uncertain significance (1 of 4 stars; one submission).

Conditions:
Neuroblastoma, susceptibility to, 3. Also called: ALK-Related Neuroblastic Tumor Susceptibility. Identifiers: Orphanet 635, MedGen C2751681, MONDO:0013083, OMIM 613014.

gnomAD v4.1: 1 of 1,614,186 alleles (0.000062%); highest among the groups gnomAD compares: Non-Finnish European, 0.000085%; no homozygotes.

Submission:

Labcorp Genetics (formerly Invitae), Labcorp
Classification: Uncertain significance for Neuroblastoma, susceptibility to, 3. Last evaluated: 2022-11-09. Review status: criteria provided, single submitter. Criteria: Invitae Variant Classification Sherloc (09022015). Collection method: clinical testing. Allele origin: germline.
Comment: In summary, the available evidence is currently insufficient to determine the role of this variant in disease. Therefore, it has been classified as a Variant of Uncertain Significance. Algorithms developed to predict the effect of missense changes on protein structure and function are either unavailable or do not agree on the potential impact of this missense change (SIFT: "Deleterious"; PolyPhen-2: "Benign"; Align-GVGD: "Class C0"). This variant has not been reported in the literature in individuals affected with ALK-related conditions. This sequence change replaces glutamic acid, which is acidic and polar, with glutamine, which is neutral and polar, at codon 713 of the ALK protein (p.Glu713Gln). This variant is not present in population databases (gnomAD no frequency).

NM_004304.5(ALK):c.2137G>C (p.Glu713Gln)

Gene: ALK (ALK receptor tyrosine kinase; minus strand). Cytogenetic location: 2p23.2.
Variant type: single nucleotide variant.
Coding change: c.2137G>C on transcript NM_004304.5 (MANE Select); coding-DNA position 2137, G replaced by C.
Protein change: p.Glu713Gln; replaces glutamic acid 713 with glutamine.
Molecular consequence: missense variant.
Genome position (GRCh38, 1-based): chr2:29,251,172, C>G on the plus strand (G>C on the coding strand, the complement: ALK is on the minus strand). VCF-style: chr2-29251172-C-G. GRCh37 (hg19) VCF-style: chr2-29474038-C-G.
Other names: short protein forms E713Q.
Identifiers: ClinVar variation 2813042 (VCV002813042.3), dbSNP rs2148197410, ClinGen allele CA346476909.